The following is an entry in ClinVar:

NM_004826.4(ECEL1):c.953A>C (p.Gln318Pro)

Gene: ECEL1 (endothelin converting enzyme like 1; minus strand). Cytogenetic location: 2q37.1.
Variant type: single nucleotide variant.
Coding change: c.953A>C on transcript NM_004826.4 (MANE Select); coding-DNA position 953, A replaced by C.
Protein change: p.Gln318Pro; replaces glutamine 318 with proline.
Molecular consequence: missense variant.
Genome position (GRCh38, 1-based): chr2:232,484,994, T>G on the plus strand (A>C on the coding strand, the complement: ECEL1 is on the minus strand). VCF-style: chr2-232484994-T-G. GRCh37 (hg19) VCF-style: chr2-233349704-T-G.
Other names: c.953A>C, p.Gln318Pro (NM_001290787.2); short protein forms Q318P.
Identifiers: ClinVar variation 2319139 (VCV002319139.2), dbSNP rs2469648292, ClinGen allele CA351001794.

ClinVar aggregate classification (germline): Uncertain significance (1 of 4 stars; one submission).

Conditions:
Inborn genetic diseases. Identifiers: MedGen C0950123, MeSH D030342.

Submission:

Ambry Genetics
Classification: Uncertain significance for Inborn genetic diseases. Last evaluated: 2022-11-16. Review status: criteria provided, single submitter. Criteria: Ambry Variant Classification Scheme 2023. Collection method: clinical testing. Allele origin: germline.
Comment: The c.953A>C (p.Q318P) alteration is located in exon 4 (coding exon 3) of the ECEL1 gene. This alteration results from an A to C substitution at nucleotide position 953, causing the glutamine (Q) at amino acid position 318 to be replaced by a proline (P). This variant was not reported in population-based cohorts in the Genome Aggregation Database (gnomAD). This amino acid position is not well conserved in available vertebrate species. This alteration is predicted to be tolerated by in silico analysis. Based on insufficient or conflicting evidence, the clinical significance of this alteration remains unclear.